The following is an entry in ClinVar:

ClinVar aggregate classification (germline): Uncertain significance (1 of 4 stars; one submission).

Conditions:
Dilated cardiomyopathy 1CC (CMD1CC). Identifiers: Orphanet 154, MedGen C2751084, MONDO:0013147, OMIM 613122.
Hypertrophic cardiomyopathy 20. Identifiers: MedGen C3151267, MONDO:0013477, OMIM 613876.

Allele frequency attached by ClinVar (database versions not stated): gnomAD exomes below 0.00001.
gnomAD v4.1: 1 of 1,613,288 alleles (0.000062%); highest among the groups gnomAD compares: Non-Finnish European, 0.000085%; no homozygotes.

Submission:

Labcorp Genetics (formerly Invitae), Labcorp
Classification: Uncertain significance for Dilated cardiomyopathy 1CC; Hypertrophic cardiomyopathy 20. Last evaluated: 2022-11-15. Review status: criteria provided, single submitter. Criteria: Invitae Variant Classification Sherloc (09022015). Collection method: clinical testing. Allele origin: germline.
Comment: This variant has not been reported in the literature in individuals affected with NEXN-related conditions. ClinVar contains an entry for this variant (Variation ID: 1023036). Advanced modeling of protein sequence and biophysical properties (such as structural, functional, and spatial information, amino acid conservation, physicochemical variation, residue mobility, and thermodynamic stability) performed at Invitae indicates that this missense variant is not expected to disrupt NEXN protein function. In summary, the available evidence is currently insufficient to determine the role of this variant in disease. Therefore, it has been classified as a Variant of Uncertain Significance. This sequence change replaces aspartic acid, which is acidic and polar, with asparagine, which is neutral and polar, at codon 82 of the NEXN protein (p.Asp82Asn). This variant is not present in population databases (gnomAD no frequency).

NM_144573.4(NEXN):c.244G>A (p.Asp82Asn)

Gene: NEXN (nexilin F-actin binding protein; plus strand). Cytogenetic location: 1p31.1.
Variant type: single nucleotide variant.
Coding change: c.244G>A on transcript NM_144573.4 (MANE Select); coding-DNA position 244, G replaced by A.
Protein change: p.Asp82Asn; replaces aspartic acid 82 with asparagine.
Molecular consequence: missense variant.
Genome position (GRCh38, 1-based): chr1:77,917,984, G>A. VCF-style: chr1-77917984-G-A. GRCh37 (hg19) VCF-style: chr1-78383669-G-A.
Other names: c.52G>A, p.Asp18Asn (NM_001172309.2); short protein forms D18N, D82N.
Identifiers: ClinVar variation 1023036 (VCV001023036.8), dbSNP rs199720912, ClinGen allele CA340886247.